The following is an entry in ClinVar:

NM_001101362.3(KBTBD13):c.965_975del (p.Glu322fs)

Gene: KBTBD13 (kelch repeat and BTB domain containing 13; plus strand). Cytogenetic location: 15q22.31.
Variant type: Deletion.
Coding change: c.965_975del on transcript NM_001101362.3 (MANE Select); coding-DNA positions 965 to 975, 11 bases deleted (AGTACGCAGTG).
Protein change: p.Glu322fs; shifts the reading frame from glutamic acid 322.
Molecular consequence: frameshift variant.
Genome position (GRCh38, 1-based): chr15:65,077,780-65,077,790, AGTACGCAGTG deleted; deleting any 11 consecutive bases within chr15:65,077,779-65,077,790 gives the same sequence; the c. name uses the placement nearest the transcript's 3' end. VCF-style (leftmost placement, unchanged base first): chr15-65077778-GGAGTACGCAGT-G. GRCh37 (hg19) VCF-style: chr15-65370116-GGAGTACGCAGT-G.
Other names: short protein forms E322fs.
Identifiers: ClinVar variation 1413463 (VCV001413463.6), dbSNP rs2087000027, ClinGen allele CA2183440788.

ClinVar aggregate classification (germline): Uncertain significance (1 of 4 stars; one submission).

Conditions:
Nemaline myopathy 6 (NEM6). Also called: Nemaline myopathy 6, autosomal dominant. Identifiers: Orphanet 171439, MedGen C1836472, MONDO:0012237, OMIM 609273.

Submission:

Labcorp Genetics (formerly Invitae), Labcorp
Classification: Uncertain significance for Nemaline myopathy 6. Last evaluated: 2021-09-25. Review status: criteria provided, single submitter. Criteria: Invitae Variant Classification Sherloc (09022015). Collection method: clinical testing. Allele origin: germline.
Comment: In summary, the available evidence is currently insufficient to determine the role of this variant in disease. Therefore, it has been classified as a Variant of Uncertain Significance. This variant has not been reported in the literature in individuals affected with KBTBD13-related conditions. This variant is not present in population databases (ExAC no frequency). This sequence change creates a premature translational stop signal (p.Glu322Alafs*76) in the KBTBD13 gene. While this is not anticipated to result in nonsense mediated decay, it is expected to disrupt the last 137 amino acid(s) of the KBTBD13 protein.